The following is an entry in ClinVar:

NM_198578.4(LRRK2):c.2504T>C (p.Ile835Thr)

Gene: LRRK2 (leucine rich repeat kinase 2; plus strand). Cytogenetic location: 12q12.
Variant type: single nucleotide variant.
Coding change: c.2504T>C on transcript NM_198578.4 (MANE Select); coding-DNA position 2504, T replaced by C.
Protein change: p.Ile835Thr; replaces isoleucine 835 with threonine.
Molecular consequence: missense variant.
Genome position (GRCh38, 1-based): chr12:40,287,354, T>C. VCF-style: chr12-40287354-T-C. GRCh37 (hg19) VCF-style: chr12-40681156-T-C.
Other names: short protein forms I835T.
Identifiers: ClinVar variation 3291872 (VCV003291872.1).

ClinVar aggregate classification (germline): Uncertain significance (1 of 4 stars; one submission).

Conditions:
Inborn genetic diseases. Identifiers: MedGen C0950123, MeSH D030342.

gnomAD v4.1: 10 of 1,611,266 alleles (0.00062%); highest among the groups gnomAD compares: Non-Finnish European, 0.00085%; no homozygotes.

Submission:

Ambry Genetics
Classification: Uncertain significance for Inborn genetic diseases. Last evaluated: 2024-06-20. Review status: criteria provided, single submitter. Criteria: Ambry Variant Classification Scheme 2023. Collection method: clinical testing. Allele origin: germline.
Comment: The p.I835T variant (also known as c.2504T>C), located in coding exon 20 of the LRRK2 gene, results from a T to C substitution at nucleotide position 2504. The isoleucine at codon 835 is replaced by threonine, an amino acid with similar properties. This amino acid position is conserved. In addition, this alteration is predicted to be tolerated by in silico analysis. Based on the available evidence, the clinical significance of this variant remains unclear.